The following is an entry in ClinVar:

NM_018089.3(ANKZF1):c.1579C>T (p.Leu527Phe)

Gene: ANKZF1 (ankyrin repeat and zinc finger peptidyl tRNA hydrolase 1; plus strand). Cytogenetic location: 2q35.
Variant type: single nucleotide variant.
Coding change: c.1579C>T on transcript NM_018089.3 (MANE Select); coding-DNA position 1579, C replaced by T.
Protein change: p.Leu527Phe; replaces leucine 527 with phenylalanine.
Molecular consequence: missense variant.
Genome position (GRCh38, 1-based): chr2:219,235,200, C>T. VCF-style: chr2-219235200-C-T. GRCh37 (hg19) VCF-style: chr2-220099922-C-T.
Other names: c.1579C>T (NM_018089.2); c.1579C>T, p.Leu527Phe (NM_001042410.2); c.949C>T, p.Leu317Phe (NM_001282792.2); short protein forms L317F, L527F.
Identifiers: ClinVar variation 1523183 (VCV001523183.7), dbSNP rs779486619, ClinGen allele CA2121098.

ClinVar aggregate classification (germline): Uncertain significance. Review status: criteria provided, multiple submitters, no conflicts (2 of 4 stars). 2 submissions from 2 submitters: Uncertain significance (2). Last evaluated 2023-11-17.

Allele frequency attached by ClinVar (database versions not stated): gnomAD exomes below 0.00001 and 0.00001; TOPMed below 0.00001; ExAC 0.00001.
gnomAD v4.1: 5 of 1,614,074 alleles (0.00031%); highest among the groups gnomAD compares: Non-Finnish European, 0.00042%; no homozygotes.

Submissions (2):

Labcorp Genetics (formerly Invitae), Labcorp
Classification: Uncertain significance. Last evaluated: 2023-11-17. Review status: criteria provided, single submitter. Criteria: Invitae Variant Classification Sherloc (09022015). Collection method: clinical testing. Allele origin: germline.
Comment: This sequence change replaces leucine, which is neutral and non-polar, with phenylalanine, which is neutral and non-polar, at codon 527 of the ANKZF1 protein (p.Leu527Phe). This variant is present in population databases (rs779486619, gnomAD 0.0009%). This variant has not been reported in the literature in individuals affected with ANKZF1-related conditions. ClinVar contains an entry for this variant (Variation ID: 1523183). An algorithm developed to predict the effect of missense changes on protein structure and function (PolyPhen-2) suggests that this variant is likely to be disruptive. In summary, the available evidence is currently insufficient to determine the role of this variant in disease. Therefore, it has been classified as a Variant of Uncertain Significance.

Ambry Genetics
Classification: Uncertain significance. Last evaluated: 2023-04-18. Review status: criteria provided, single submitter. Criteria: Ambry Variant Classification Scheme 2023. Collection method: clinical testing. Allele origin: germline.